The following is an entry in ClinVar:

NM_000541.5(SAG):c.874C>G (p.Arg292Gly)

Gene: SAG (S-antigen visual arrestin; plus strand). Cytogenetic location: 2q37.1.
Variant type: single nucleotide variant.
Coding change: c.874C>G on transcript NM_000541.5 (MANE Select); coding-DNA position 874, C replaced by G.
Protein change: p.Arg292Gly; replaces arginine 292 with glycine.
Molecular consequence: missense variant.
Genome position (GRCh38, 1-based): chr2:233,335,029, C>G. VCF-style: chr2-233335029-C-G. GRCh37 (hg19) VCF-style: chr2-234243675-C-G.
Other names: short protein forms R292G.
Identifiers: ClinVar variation 967772 (VCV000967772.8), dbSNP rs397514681, ClinGen allele CA2174571.

ClinVar aggregate classification (germline): Uncertain significance. Review status: criteria provided, multiple submitters, no conflicts (2 of 4 stars). 2 submissions from 2 submitters: Uncertain significance (2). Last evaluated 2025-10-23.

Allele frequency attached by ClinVar (database versions not stated): TOPMed 0.00004.
gnomAD v4.1: 78 of 1,613,874 alleles (0.0048%); highest among the groups gnomAD compares: Admixed American, 0.013%; no homozygotes.

Submissions (2):

Labcorp Genetics (formerly Invitae), Labcorp
Classification: Uncertain significance. Last evaluated: 2025-10-23. Review status: criteria provided, single submitter. Criteria: Invitae Variant Classification Sherloc (09022015). Collection method: clinical testing. Allele origin: germline.
Comment: This sequence change replaces arginine, which is basic and polar, with glycine, which is neutral and non-polar, at codon 292 of the SAG protein (p.Arg292Gly). This variant is present in population databases (rs397514681, gnomAD 0.02%). This variant has not been reported in the literature in individuals affected with SAG-related conditions. ClinVar contains an entry for this variant (Variation ID: 967772). Invitae Evidence Modeling of protein sequence and biophysical properties (such as structural, functional, and spatial information, amino acid conservation, physicochemical variation, residue mobility, and thermodynamic stability) indicates that this missense variant is not expected to disrupt SAG protein function with a negative predictive value of 80%. In summary, the available evidence is currently insufficient to determine the role of this variant in disease. Therefore, it has been classified as a Variant of Uncertain Significance.

Blueprint Genetics
Classification: Uncertain significance. Last evaluated: 2024-10-18. Review status: criteria provided, single submitter. Criteria: ACMG Guidelines, 2015. Collection method: clinical testing. Allele origin: germline.